The following is an entry in ClinVar:

NM_000091.5(COL4A3):c.3136A>G (p.Ile1046Val)

Genes: COL4A3 (collagen type IV alpha 3 chain; plus strand), MFF-DT (MFF divergent transcript; minus strand). Cytogenetic location: 2q36.3.
Variant type: single nucleotide variant.
Coding change: c.3136A>G on transcript NM_000091.5 (MANE Select); coding-DNA position 3136, A replaced by G.
Protein change: p.Ile1046Val; replaces isoleucine 1046 with valine.
Molecular consequence: missense variant.
Genome position (GRCh38, 1-based): chr2:227,290,812, A>G. VCF-style: chr2-227290812-A-G. GRCh37 (hg19) VCF-style: chr2-228155528-A-G.
Other names: short protein forms I1046V.
Identifiers: ClinVar variation 3613056 (VCV003613056.3).

ClinVar aggregate classification (germline): Uncertain significance. Review status: criteria provided, single submitter (1 of 4 stars). 2 submissions from 2 submitters: Uncertain significance (1). 1 of the submissions does not count toward it. Last evaluated 2024-11-11.

Conditions:
Alport syndrome. Also called: Hemorrhagic familial nephritis; Hemorrhagic hereditary nephritis; Congenital hereditary hematuria. Identifiers: Orphanet 63, MedGen C1567741, MONDO:0018965.

gnomAD v4.1: 11 of 1,613,566 alleles (0.00068%); highest among the groups gnomAD compares: Non-Finnish European, 0.00093%; no homozygotes.

Submissions (2):

Labcorp Genetics (formerly Invitae), Labcorp
Classification: Uncertain significance. Last evaluated: 2024-11-11. Review status: criteria provided, single submitter. Criteria: Invitae Variant Classification Sherloc (09022015). Collection method: clinical testing. Allele origin: germline.
Comment: This sequence change replaces isoleucine, which is neutral and non-polar, with valine, which is neutral and non-polar, at codon 1046 of the COL4A3 protein (p.Ile1046Val). This variant is not present in population databases (gnomAD no frequency). This variant has not been reported in the literature in individuals affected with COL4A3-related conditions. Invitae Evidence Modeling of protein sequence and biophysical properties (such as structural, functional, and spatial information, amino acid conservation, physicochemical variation, residue mobility, and thermodynamic stability) indicates that this missense variant is not expected to disrupt COL4A3 protein function with a negative predictive value of 95%. Algorithms developed to predict the effect of sequence changes on RNA splicing suggest that this variant may create or strengthen a splice site. In summary, the available evidence is currently insufficient to determine the role of this variant in disease. Therefore, it has been classified as a Variant of Uncertain Significance.

Natera, Inc.
Classification: Uncertain significance for Alport syndrome. Last evaluated: 2025-01-16. Review status: no assertion criteria provided. Collection method: clinical testing. Allele origin: germline. Not counted in ClinVar's aggregate classification.